The following is an entry in ClinVar:

ClinVar aggregate classification (germline): Uncertain significance. Review status: criteria provided, multiple submitters, no conflicts (2 of 4 stars). 3 submissions from 3 submitters: Uncertain significance (2). 1 of the submissions does not count toward it. Last evaluated 2024-08-29.

Conditions:
Cardiac arrhythmia, ankyrin-B-related. Also called: ANKYRIN-B SYNDROME. Identifiers: Orphanet 101016, Orphanet 768, MedGen C1970119, MONDO:0010958, OMIM 600919.
Long QT syndrome (LQTS). Identifiers: MedGen C0023976, MeSH D008133, MONDO:0002442. Disease mechanism: loss of function. Inheritance: Various modes of inheritance.

Allele frequency attached by ClinVar (database versions not stated): gnomAD exomes below 0.00001; TOPMed below 0.00001; gnomAD 0.00001.
gnomAD v4.1: 2 of 1,613,732 alleles (0.00012%); highest among the groups gnomAD compares: Non-Finnish European, 0.00017%; no homozygotes.

Submissions (3):

Labcorp Genetics (formerly Invitae), Labcorp
Classification: Uncertain significance for Long QT syndrome. Last evaluated: 2024-08-29. Review status: criteria provided, single submitter. Criteria: Invitae Variant Classification Sherloc (09022015). Collection method: clinical testing. Allele origin: germline.
Comment: This sequence change replaces glycine, which is neutral and non-polar, with alanine, which is neutral and non-polar, at codon 256 of the ANK2 protein (p.Gly256Ala). This variant is not present in population databases (gnomAD no frequency). This variant has not been reported in the literature in individuals affected with ANK2-related conditions. ClinVar contains an entry for this variant (Variation ID: 624569). Invitae Evidence Modeling of protein sequence and biophysical properties (such as structural, functional, and spatial information, amino acid conservation, physicochemical variation, residue mobility, and thermodynamic stability) has been performed for this missense variant. However, the output from this modeling did not meet the statistical confidence thresholds required to predict the impact of this variant on ANK2 protein function. In summary, the available evidence is currently insufficient to determine the role of this variant in disease. Therefore, it has been classified as a Variant of Uncertain Significance.

Fulgent Genetics
Classification: Uncertain significance for Cardiac arrhythmia, ankyrin-B-related. Last evaluated: 2021-08-08. Review status: criteria provided, single submitter. Criteria: ACMG Guidelines, 2015. Collection method: clinical testing. Allele origin: unknown.

Institute of Human Genetics, University of Goettingen
Classification: Uncertain significance for Cardiac arrhythmia, ankyrin-B-related. Last evaluated: 2019-03-22. Review status: no assertion criteria provided. Collection method: clinical testing. Allele origin: germline. Affected: yes. Observed: 1 heterozygote. Not counted in ClinVar's aggregate classification.
Comment: Long QT Syndrome

NM_001148.6(ANK2):c.767G>C (p.Gly256Ala)

Gene: ANK2 (ankyrin 2; plus strand). Cytogenetic location: 4q26.
Variant type: single nucleotide variant.
Coding change: c.767G>C on transcript NM_001148.6 (MANE Select); coding-DNA position 767, G replaced by C.
Protein change: p.Gly256Ala; replaces glycine 256 with alanine.
Molecular consequence: missense variant.
Genome position (GRCh38, 1-based): chr4:113,240,558, G>C. VCF-style: chr4-113240558-G-C. GRCh37 (hg19) VCF-style: chr4-114161714-G-C.
Other names: c.704G>C, p.Gly235Ala (NM_001127493.3, NM_001354239.2, NM_001354243.2 and 14 more transcripts); c.767G>C, p.Gly256Ala (NM_001354225.2, NM_001354228.2, NM_001354232.2 and 9 more transcripts); c.812G>C, p.Gly271Ala (NM_001354230.2, NM_001354231.2, NM_001354237.2 and 5 more transcripts); c.680G>C, p.Gly227Ala (NM_001354249.2, NM_001354271.2, NM_001354274.2 and 16 more transcripts); c.755G>C, p.Gly252Ala (NM_001354269.3, NM_001386148.2, NM_001386186.2); c.725G>C, p.Gly242Ala (NM_001386160.1, NM_001354261.2, NM_001386147.1); c.818G>C, p.Gly273Ala (NM_001386174.1); c.794G>C, p.Gly265Ala (NM_001386175.1); and 1 more; short protein forms G235A, G256A, G242A, G252A, G271A, G227A, G244A, G265A.
Identifiers: ClinVar variation 624569 (VCV000624569.7), dbSNP rs1276798019, ClinGen allele CA357918906.
Genomic context (GRCh38, chr4:113,240,558, plus strand): 5'-CTTTGCACATAGCTGCACATTACGGAAATGTCAACGTGGCAACTCTTCTTCTAAACCGGG[G>C]AGCTGCTGTGGACTTCACAGCCAGGGTATGGATTGAAATAGTTTCTCATTCTAGATAGCA-3'
Protein context (NP_001139.3, residues 246-266): VNVATLLLNR[Gly256Ala]AAVDFTARNG